The following is an entry in ClinVar:

NM_001394062.1(MACF1):c.12775C>T (p.Leu4259Phe)

Gene: MACF1 (microtubule actin crosslinking factor 1; plus strand). Cytogenetic location: 1p34.3.
Variant type: single nucleotide variant.
Coding change: c.12775C>T on transcript NM_001394062.1 (MANE Select); coding-DNA position 12775, C replaced by T.
Protein change: p.Leu4259Phe; replaces leucine 4259 with phenylalanine.
Molecular consequence: missense variant.
Genome position (GRCh38, 1-based): chr1:39,368,151, C>T. VCF-style: chr1-39368151-C-T. GRCh37 (hg19) VCF-style: chr1-39833823-C-T.
Other names: c.6589C>T, p.Leu2197Phe (NM_012090.5); short protein forms L4259F, L2197F.
Identifiers: ClinVar variation 4102043 (VCV004102043.3).

ClinVar aggregate classification (germline): Conflicting classifications of pathogenicity. Review status: criteria provided, conflicting classifications (1 of 4 stars). 3 submissions from 3 submitters: Uncertain significance (2); Likely benign (1). Last evaluated 2026-09-02.

Conditions:
Inborn genetic diseases. Identifiers: MedGen C0950123, MeSH D030342.
MACF1-related disorder. Also called: MACF1-related condition.

gnomAD v4.1: 8 of 1,613,402 alleles (0.0005%); highest among the groups gnomAD compares: African/African-American, 0.0067%; no homozygotes.

Submissions (3):

PreventionGenetics, part of Exact Sciences
Classification: Uncertain significance for MACF1-related condition. Last evaluated: 2026-09-02. Review status: criteria provided, single submitter. Criteria: ACMG Guidelines, 2015. Collection method: clinical testing. Allele origin: germline.
Comment: The MACF1 c.6589C>T variant is predicted to result in the amino acid substitution p.Leu2197Phe. To our knowledge, this variant has not been reported in the literature. This variant is reported in 0.0062% of alleles in individuals of African descent in gnomAD. At this time, the clinical significance of this variant is uncertain due to the absence of conclusive functional and genetic evidence.

Ambry Genetics
Classification: Uncertain significance for Inborn genetic diseases. Last evaluated: 2025-09-05. Review status: criteria provided, single submitter. Criteria: Ambry Variant Classification Scheme 2023. Collection method: clinical testing. Allele origin: germline.

Labcorp Genetics (formerly Invitae), Labcorp
Classification: Likely benign. Last evaluated: 2025-03-31. Review status: criteria provided, single submitter. Criteria: Invitae Variant Classification Sherloc (09022015). Collection method: clinical testing. Allele origin: germline.